The following is an entry in ClinVar:

ClinVar aggregate classification (germline): Likely benign. Review status: criteria provided, multiple submitters, no conflicts (2 of 4 stars). 2 submissions from 2 submitters: Likely benign (2). Last evaluated 2024-02-07.

Allele frequency attached by ClinVar (database versions not stated): gnomAD exomes 0.00002; gnomAD 0.00004; TOPMed 0.00004; ExAC 0.00010.
gnomAD v4.1: 40 of 1,609,600 alleles (0.0025%); highest among the groups gnomAD compares: Admixed American, 0.015%; no homozygotes.

Submissions (2):

Blueprint Genetics
Classification: Likely benign. Last evaluated: 2024-02-07. Review status: criteria provided, single submitter. Criteria: ACMG Guidelines, 2015. Collection method: clinical testing. Allele origin: germline.

CeGaT Center for Human Genetics Tuebingen
Classification: Likely benign. Last evaluated: 2023-06-01. Review status: criteria provided, single submitter. Criteria: CeGaT Center For Human Genetics Tuebingen Variant Classification Criteria Version 2. Collection method: clinical testing. Allele origin: germline. Affected: yes. Observed: 2 variant alleles.
Comment: ABCA2: BP4, BP7

NM_001606.5(ABCA2):c.4950C>T (p.Phe1650=)

Gene: ABCA2 (ATP binding cassette subfamily A member 2; minus strand). Cytogenetic location: 9q34.3.
Variant type: single nucleotide variant.
Coding change: c.4950C>T on transcript NM_001606.5 (MANE Select); coding-DNA position 4950, C replaced by T.
Protein change: p.Phe1650=; no amino-acid change (phenylalanine 1650 retained).
Molecular consequence: synonymous variant.
Genome position (GRCh38, 1-based): chr9:137,012,843, G>A on the plus strand (C>T on the coding strand, the complement: ABCA2 is on the minus strand). VCF-style: chr9-137012843-G-A. GRCh37 (hg19) VCF-style: chr9-139907295-G-A.
Other names: c.4947C>T, p.Phe1649= (NM_001411042.1); c.5040C>T, p.Phe1680= (NM_212533.3).
Identifiers: ClinVar variation 2659772 (VCV002659772.25), dbSNP rs775710917, ClinGen allele CA5354223.